The following is an entry in ClinVar:

ClinVar aggregate classification (germline): Pathogenic (1 of 4 stars; one submission).

Conditions:
Osteogenesis imperfecta type I (OI1). Also called: Lobstein's Disease; Lobstein disease; Classic Non-deforming Osteogenesis Imperfecta with Blue Sclerae; OI, TYPE I; OSTEOGENESIS IMPERFECTA TARDA; OSTEOGENESIS IMPERFECTA WITH BLUE SCLERAE. Identifiers: Orphanet 216796, Orphanet 666, MedGen C0023931, MONDO:0008146, OMIM 166200. Disease mechanism: loss of function.

Submission:

Labcorp Genetics (formerly Invitae), Labcorp
Classification: Pathogenic for Osteogenesis imperfecta type I. Last evaluated: 2024-10-27. Review status: criteria provided, single submitter. Criteria: Invitae Variant Classification Sherloc (09022015). Collection method: clinical testing. Allele origin: germline.
Comment: This sequence change replaces glycine, which is neutral and non-polar, with arginine, which is basic and polar, at codon 785 of the COL1A1 protein (p.Gly785Arg). This variant is not present in population databases (gnomAD no frequency). This missense change has been observed in individual(s) with osteogenesis imperfecta (internal data). Invitae Evidence Modeling of protein sequence and biophysical properties (such as structural, functional, and spatial information, amino acid conservation, physicochemical variation, residue mobility, and thermodynamic stability) indicates that this missense variant is expected to disrupt COL1A1 protein function with a positive predictive value of 95%. This variant disrupts the triple helix domain of COL1A1. Glycine residues within the Gly-Xaa-Yaa repeats of the triple helix domain are required for the structure and stability of fibrillar collagens (PMID: 7695699, 8218237, 19344236). In COL1A1, variants affecting these glycine residues are significantly enriched in individuals with disease (PMID: 9016532, 17078022) compared to the general population (ExAC). For these reasons, this variant has been classified as Pathogenic.

Literature cited by the submitters: PubMed 7695699; PubMed 8218237; PubMed 19344236; PubMed 9016532; PubMed 17078022.

NM_000088.4(COL1A1):c.2353G>C (p.Gly785Arg)

Gene: COL1A1 (collagen type I alpha 1 chain; minus strand). Cytogenetic location: 17q21.33.
Variant type: single nucleotide variant.
Coding change: c.2353G>C on transcript NM_000088.4 (MANE Select); coding-DNA position 2353, G replaced by C.
Protein change: p.Gly785Arg; replaces glycine 785 with arginine.
Molecular consequence: missense variant.
Genome position (GRCh38, 1-based): chr17:50,190,587, C>G on the plus strand (G>C on the coding strand, the complement: COL1A1 is on the minus strand). VCF-style: chr17-50190587-C-G. GRCh37 (hg19) VCF-style: chr17-48267948-C-G.
Other names: short protein forms G785R.
Identifiers: ClinVar variation 3634725 (VCV003634725.2).